The following is an entry in ClinVar:

ClinVar aggregate classification (germline): Uncertain significance (1 of 4 stars; one submission).

Conditions:
Epileptic encephalopathy. Identifiers: MedGen C0543888, HP:0200134.

Allele frequency attached by ClinVar (database versions not stated): gnomAD exomes below 0.00001.
gnomAD v4.1: 1 of 1,613,868 alleles (0.000062%); highest among the groups gnomAD compares: Admixed American, 0.0017%; no homozygotes.

Submission:

Labcorp Genetics (formerly Invitae), Labcorp
Classification: Uncertain significance for Epileptic encephalopathy. Last evaluated: 2022-08-16. Review status: criteria provided, single submitter. Criteria: Invitae Variant Classification Sherloc (09022015). Collection method: clinical testing. Allele origin: germline.
Comment: This variant has not been reported in the literature in individuals affected with RYR3-related conditions. This variant is not present in population databases (gnomAD no frequency). This sequence change replaces phenylalanine, which is neutral and non-polar, with leucine, which is neutral and non-polar, at codon 1300 of the RYR3 protein (p.Phe1300Leu). In summary, the available evidence is currently insufficient to determine the role of this variant in disease. Therefore, it has been classified as a Variant of Uncertain Significance. Algorithms developed to predict the effect of missense changes on protein structure and function are either unavailable or do not agree on the potential impact of this missense change (SIFT: "Deleterious"; PolyPhen-2: "Benign"; Align-GVGD: "Class C0"). ClinVar contains an entry for this variant (Variation ID: 652857).

NM_001036.6(RYR3):c.3898T>C (p.Phe1300Leu)

Gene: RYR3 (ryanodine receptor 3; plus strand). Cytogenetic location: 15q14.
Variant type: single nucleotide variant.
Coding change: c.3898T>C on transcript NM_001036.6 (MANE Select); coding-DNA position 3898, T replaced by C.
Protein change: p.Phe1300Leu; replaces phenylalanine 1300 with leucine.
Molecular consequence: missense variant.
Genome position (GRCh38, 1-based): chr15:33,646,483, T>C. VCF-style: chr15-33646483-T-C. GRCh37 (hg19) VCF-style: chr15-33938684-T-C.
Other names: c.3898T>C, p.Phe1300Leu (NM_001243996.4); short protein forms F1300L.
Identifiers: ClinVar variation 652857 (VCV000652857.8), dbSNP rs1595957329, ClinGen allele CA391577419.